The following is an entry in ClinVar:

NM_058216.3(RAD51C):c.54G>A (p.Pro18=)

Gene: RAD51C (RAD51 paralog C; plus strand). Cytogenetic location: 17q22.
Variant type: single nucleotide variant.
Coding change: c.54G>A on transcript NM_058216.3 (MANE Select); coding-DNA position 54, G replaced by A.
Protein change: p.Pro18=; no amino-acid change (proline 18 retained).
Molecular consequence: synonymous variant. On other transcripts: non-coding transcript variant (1).
Genome position (GRCh38, 1-based): chr17:58,692,697, G>A. VCF-style: chr17-58692697-G-A. GRCh37 (hg19) VCF-style: chr17-56770058-G-A.
Other names: c.54G>A, p.Pro18= (NM_002876.4, NM_058217.1).
Identifiers: ClinVar variation 1747950 (VCV001747950.6), dbSNP rs1555591865, ClinGen allele CA501074345.
Genomic context (GRCh38, chr17:58,692,697, plus strand): 5'-GCCTGCGATGCGCGGGAAGACGTTCCGCTTTGAAATGCAGCGGGATTTGGTGAGTTTCCC[G>A]CTGTCTCCAGCGGTGCGGGTGAAGCTGGTGTCTGCGGGGTTCCAGACTGCTGAGGAACTC-3'
Protein context (NP_478123.1, residues 8-28): FEMQRDLVSF[Pro18=]LSPAVRVKLV

ClinVar aggregate classification (germline): Benign/Likely benign. Review status: criteria provided, multiple submitters, no conflicts (2 of 4 stars). 3 submissions from 3 submitters: Benign (1); Likely benign (2). Last evaluated 2025-02-14.

Conditions:
Fanconi anemia complementation group O. Also called: RAD51C-Related Fanconi Anemia. Identifiers: Orphanet 84, MedGen C3150653, MONDO:0013248, OMIM 613390.
Hereditary cancer-predisposing syndrome. Also called: Neoplastic Syndromes, Hereditary; Tumor predisposition; Hereditary Cancer Syndrome; Hereditary neoplastic syndrome. Identifiers: Orphanet 140162, MedGen C0027672, MeSH D009386, MONDO:0015356.
Breast-ovarian cancer, familial, susceptibility to, 3. Also called: RAD51C-Related Breast/Ovarian Cancer. Identifiers: Orphanet 145, MedGen C3150659, MONDO:0013253, OMIM 613399.

Submissions (3):

Myriad Genetics, Inc.
Classification: Benign for Breast-ovarian cancer, familial, susceptibility to, 3. Last evaluated: 2025-02-14. Review status: criteria provided, single submitter. Criteria: Myriad Autosomal Dominant, Autosomal Recessive and X-Linked Classification Criteria (2023). Collection method: clinical testing. Allele origin: unknown.
Comment: This variant is considered benign. This variant is a silent/synonymous amino acid change and it is not expected to impact splicing.

Labcorp Genetics (formerly Invitae), Labcorp
Classification: Likely benign for Fanconi anemia complementation group O. Last evaluated: 2022-12-20. Review status: criteria provided, single submitter. Criteria: Invitae Variant Classification Sherloc (09022015). Collection method: clinical testing. Allele origin: germline.

Ambry Genetics
Classification: Likely benign for Hereditary cancer-predisposing syndrome. Last evaluated: 2021-05-27. Review status: criteria provided, single submitter. Criteria: Ambry Variant Classification Scheme 2023. Collection method: clinical testing. Allele origin: germline.